The following is an entry in ClinVar:

NM_018294.6(CWF19L1):c.1395A>C (p.Ala465=)

Gene: CWF19L1 (CWF19 like cell cycle control factor 1; minus strand). Cytogenetic location: 10q24.31.
Variant type: single nucleotide variant.
Coding change: c.1395A>C on transcript NM_018294.6 (MANE Select); coding-DNA position 1395, A replaced by C.
Protein change: p.Ala465=; no amino-acid change (alanine 465 retained).
Molecular consequence: synonymous variant.
Genome position (GRCh38, 1-based): chr10:100,235,744, T>G on the plus strand (A>C on the coding strand, the complement: CWF19L1 is on the minus strand). VCF-style: chr10-100235744-T-G. GRCh37 (hg19) VCF-style: chr10-101995501-T-G.
Other names: c.1275A>C, p.Ala425= (NM_001303404.2); c.984A>C, p.Ala328= (NM_001303405.2, NM_001303406.2); c.660A>C, p.Ala220= (NM_001303407.2).
Identifiers: ClinVar variation 716213 (VCV000716213.18), dbSNP rs149734623, ClinGen allele CA5646867.

ClinVar aggregate classification (germline): Benign/Likely benign. Review status: criteria provided, multiple submitters, no conflicts (2 of 4 stars). 4 submissions from 4 submitters: Benign (2); Likely benign (2). Last evaluated 2026-05-01.

Allele frequency attached by ClinVar (database versions not stated): gnomAD exomes 0.00050; ExAC 0.00065; 1000 Genomes Project 0.00100; 1000 Genomes Project 30x 0.00125; gnomAD 0.00192 and 0.00207; TOPMed 0.00215; ESP Exome Variant Server 0.00261.
gnomAD v4.1: 633 of 1,611,558 alleles (0.039%); highest among the groups gnomAD compares: African/African-American, 0.76%; no homozygotes.

Submissions (4):

CeGaT Center for Human Genetics Tuebingen
Classification: Likely benign. Last evaluated: 2026-05-01. Review status: criteria provided, single submitter. Criteria: CeGaT Center For Human Genetics Tuebingen Variant Classification Criteria Version 2. Collection method: clinical testing. Allele origin: germline. Affected: yes. Observed: 2 variant alleles.
Comment: CWF19L1: BP4, BP7

Blueprint Genetics
Classification: Likely benign. Last evaluated: 2024-11-26. Review status: criteria provided, single submitter. Criteria: ACMG Guidelines, 2015. Collection method: clinical testing. Allele origin: germline.

Labcorp Genetics (formerly Invitae), Labcorp
Classification: Benign. Last evaluated: 2018-07-04. Review status: criteria provided, single submitter. Criteria: Invitae Variant Classification Sherloc (09022015). Collection method: clinical testing. Allele origin: germline.

Breakthrough Genomics
Classification: Benign. Review status: criteria provided, single submitter. Criteria: ACMG Guidelines, 2015. Collection method: not provided. Allele origin: germline. Inheritance: Autosomal recessive inheritance. Affected: yes.